The following continues an entry in ClinVar:

NM_004415.4(DSP):c.5498A>T (p.Glu1833Val)

Gene: DSP. ClinVar aggregate classification (germline): Conflicting classifications of pathogenicity. Uncertain significance (1); Benign (16); Likely benign (5).

Submissions 20 to 28 of 28:

Laboratory for Molecular Medicine, Mass General Brigham Personalized Medicine
Classification: Benign. Last evaluated: 2012-02-23. Review status: criteria provided, single submitter. Criteria: LMM Criteria. Collection method: clinical testing. Allele origin: germline. Observed: 60 variant alleles.
Comment: Glu1833Val in exon 24 of DSP: This variant is not expected to have clinical sign ificance because it has been reported in multiple studies and in dbSNP at a freq uency of ~1% (Barahona-Dussault 2010, Gehmlich 2011, Garcia-Pavia 2011, Quarta 2 011, dbSNP rs78652302). In addition, this variant has been identified in 1.3% (9 2/7020) of European American chromosomes from a broad population by the NHLBI Ex ome Sequencing Project.

Stanford Center for Inherited Cardiovascular Disease, Stanford University
Classification: Uncertain significance. Last evaluated: 2011-08-25. Review status: criteria provided, single submitter. Criteria: ACMG Guidelines, 2015. Collection method: provider interpretation. Allele origin: germline.

PreventionGenetics, part of Exact Sciences
Classification: Benign. Review status: criteria provided, single submitter. Criteria: ACMG Guidelines, 2015. Collection method: clinical testing. Allele origin: germline.

Clinical Genetics DNA and cytogenetics Diagnostics Lab, Erasmus MC, Erasmus Medical Center
Classification: Benign. Review status: no assertion criteria provided. Collection method: clinical testing. Allele origin: germline. Affected: yes. Study: VKGL Data-share Consensus. Not counted in ClinVar's aggregate classification.

Clinical Genetics, Academic Medical Center
Classification: Benign. Review status: no assertion criteria provided. Collection method: clinical testing. Allele origin: germline. Affected: yes. Study: VKGL Data-share Consensus. Not counted in ClinVar's aggregate classification.

Diagnostic Laboratory, Department of Genetics, University Medical Center Groningen
Classification: Likely benign. Review status: no assertion criteria provided. Collection method: clinical testing. Allele origin: germline. Affected: yes. Study: VKGL Data-share Consensus. Not counted in ClinVar's aggregate classification.

Genome Diagnostics Laboratory, University Medical Center Utrecht
Classification: Benign. Review status: no assertion criteria provided. Collection method: clinical testing. Allele origin: germline. Affected: yes. Study: VKGL Data-share Consensus. Not counted in ClinVar's aggregate classification.

Institute of Human Genetics, University of Wuerzburg
Classification: Likely benign for Hypertrophic cardiomyopathy 2. Review status: no assertion criteria provided. Collection method: clinical testing. Allele origin: unknown. Affected: yes. Observed: 1 variant allele. Not counted in ClinVar's aggregate classification.

Joint Genome Diagnostic Labs from Nijmegen and Maastricht, Radboudumc and MUMC+
Classification: Benign. Review status: no assertion criteria provided. Collection method: clinical testing. Allele origin: germline. Affected: yes. Study: VKGL Data-share Consensus. Not counted in ClinVar's aggregate classification.

Literature cited by the submitters: PubMed 21062920 (cited by 3 submitters); PubMed 21859740 (cited by 3 submitters); PubMed 21606396 (cited by Women's Health and Genetics/Laboratory Corporation of America, LabCorp); PubMed 21397041 (cited by Women's Health and Genetics/Laboratory Corporation of America, LabCorp); PubMed 23299917 (cited by Women's Health and Genetics/Laboratory Corporation of America, LabCorp); PubMed 19863551 (cited by Women's Health and Genetics/Laboratory Corporation of America, LabCorp and Laboratory for Molecular Medicine, Mass General Brigham Personalized Medicine); PubMed 24503780 (cited by Women's Health and Genetics/Laboratory Corporation of America, LabCorp); PubMed 21606390 (cited by Women's Health and Genetics/Laboratory Corporation of America, LabCorp and Laboratory for Molecular Medicine, Mass General Brigham Personalized Medicine).